The following is an entry in ClinVar:

NM_015374.3(SUN2):c.521G>T (p.Gly174Val)

Gene: SUN2 (Sad1 and UNC84 domain containing 2; minus strand). Cytogenetic location: 22q13.1.
Variant type: single nucleotide variant.
Coding change: c.521G>T on transcript NM_015374.3 (MANE Select); coding-DNA position 521, G replaced by T.
Protein change: p.Gly174Val; replaces glycine 174 with valine.
Molecular consequence: missense variant.
Genome position (GRCh38, 1-based): chr22:38,749,859, C>A on the plus strand (G>T on the coding strand, the complement: SUN2 is on the minus strand). VCF-style: chr22-38749859-C-A. GRCh37 (hg19) VCF-style: chr22-39145864-C-A.
Other names: c.584G>T, p.Gly195Val (NM_001199579.2); c.521G>T, p.Gly174Val (NM_001199580.2); short protein forms G174V, G195V.
Identifiers: ClinVar variation 850049 (VCV000850049.10), dbSNP rs148232799, ClinGen allele CA10235882.

ClinVar aggregate classification (germline): Uncertain significance. Review status: criteria provided, multiple submitters, no conflicts (2 of 4 stars). 2 submissions from 2 submitters: Uncertain significance (2). Last evaluated 2025-06-11.

Conditions:
Emery-Dreifuss muscular dystrophy (EDMD). Also called: Scapuloperoneal syndrome, X-linked (formerly); Humeroperoneal neuromuscular disease, (formerly). Identifiers: Orphanet 261, MedGen C0410189, MONDO:0016830.

Allele frequency attached by ClinVar (database versions not stated): gnomAD exomes 0.00004; TOPMed 0.00009; gnomAD 0.00011 and 0.00012; ESP Exome Variant Server 0.00015.
gnomAD v4.1: 321 of 1,612,328 alleles (0.02%); highest among the groups gnomAD compares: Non-Finnish European, 0.027%; no homozygotes.

Submissions (2):

Labcorp Genetics (formerly Invitae), Labcorp
Classification: Uncertain significance for Emery-Dreifuss muscular dystrophy. Last evaluated: 2025-06-11. Review status: criteria provided, single submitter. Criteria: Invitae Variant Classification Sherloc (09022015). Collection method: clinical testing. Allele origin: germline.
Comment: This sequence change replaces glycine, which is neutral and non-polar, with valine, which is neutral and non-polar, at codon 174 of the SUN2 protein (p.Gly174Val). This variant is present in population databases (rs148232799, gnomAD 0.01%). This variant has not been reported in the literature in individuals affected with SUN2-related conditions. ClinVar contains an entry for this variant (Variation ID: 850049). An algorithm developed to predict the effect of missense changes on protein structure and function (PolyPhen-2) suggests that this variant is likely to be tolerated. Algorithms developed to predict the effect of sequence changes on RNA splicing suggest that this variant may disrupt the consensus splice site. In summary, the available evidence is currently insufficient to determine the role of this variant in disease. Therefore, it has been classified as a Variant of Uncertain Significance.

Ambry Genetics
Classification: Uncertain significance. Last evaluated: 2024-08-20. Review status: criteria provided, single submitter. Criteria: Ambry Variant Classification Scheme 2023. Collection method: clinical testing. Allele origin: germline.